The following is an entry in ClinVar:

ClinVar aggregate classification (germline): Uncertain significance (1 of 4 stars; one submission).

Conditions:
Paroxysmal nonkinesigenic dyskinesia. Also called: Paroxysmal non-kinesigenic dyskinesia. Identifiers: Orphanet 98810, MedGen C1869117, MONDO:0700088.

Allele frequency attached by ClinVar (database versions not stated): gnomAD exomes below 0.00001.
gnomAD v4.1: 2 of 1,613,986 alleles (0.00012%); highest among the groups gnomAD compares: Non-Finnish European, 0.00017%; no homozygotes.

Submission:

Labcorp Genetics (formerly Invitae), Labcorp
Classification: Uncertain significance for Paroxysmal nonkinesigenic dyskinesia. Last evaluated: 2022-06-08. Review status: criteria provided, single submitter. Criteria: Invitae Variant Classification Sherloc (09022015). Collection method: clinical testing. Allele origin: germline.
Comment: This variant has not been reported in the literature in individuals affected with PNKD-related conditions. This variant is not present in population databases (gnomAD no frequency). This sequence change replaces aspartic acid, which is acidic and polar, with glycine, which is neutral and non-polar, at codon 364 of the PNKD protein (p.Asp364Gly). In summary, the available evidence is currently insufficient to determine the role of this variant in disease. Therefore, it has been classified as a Variant of Uncertain Significance. Algorithms developed to predict the effect of missense changes on protein structure and function (SIFT, PolyPhen-2, Align-GVGD) all suggest that this variant is likely to be tolerated.

NM_015488.5(PNKD):c.1091A>G (p.Asp364Gly)

Genes: CATIP-AS2 (CATIP antisense RNA 2; minus strand), PNKD (PNKD metallo-beta-lactamase domain containing; plus strand). Cytogenetic location: 2q35.
Variant type: single nucleotide variant.
Coding change: c.1091A>G on transcript NM_015488.5 (MANE Select); coding-DNA position 1091, A replaced by G.
Protein change: p.Asp364Gly; replaces aspartic acid 364 with glycine.
Molecular consequence: missense variant.
Genome position (GRCh38, 1-based): chr2:218,344,914, A>G. VCF-style: chr2-218344914-A-G. GRCh37 (hg19) VCF-style: chr2-219209637-A-G.
Other names: c.1019A>G, p.Asp340Gly (NM_022572.5); short protein forms D340G, D364G.
Identifiers: ClinVar variation 1933060 (VCV001933060.5), dbSNP rs2469474666, ClinGen allele CA350543921.